The following is an entry in ClinVar:

ClinVar aggregate classification (germline): Uncertain significance (1 of 4 stars; one submission).

Conditions:
Osteogenesis imperfecta type 8 (OI8). Identifiers: MedGen C1970458, MONDO:0012581, OMIM 610915.

Allele frequency attached by ClinVar (database versions not stated): TOPMed below 0.00001.

Submission:

Labcorp Genetics (formerly Invitae), Labcorp
Classification: Uncertain significance for Osteogenesis imperfecta type 8. Last evaluated: 2023-02-16. Review status: criteria provided, single submitter. Criteria: Invitae Variant Classification Sherloc (09022015). Collection method: clinical testing. Allele origin: germline.
Comment: This sequence change falls in intron 9 of the P3H1 gene. It does not directly change the encoded amino acid sequence of the P3H1 protein. It affects a nucleotide within the consensus splice site. This variant is not present in population databases (gnomAD no frequency). This variant has not been reported in the literature in individuals affected with P3H1-related conditions. Variants that disrupt the consensus splice site are a relatively common cause of aberrant splicing (PMID: 17576681, 9536098). Algorithms developed to predict the effect of sequence changes on RNA splicing suggest that this variant may disrupt the consensus splice site. In summary, the available evidence is currently insufficient to determine the role of this variant in disease. Therefore, it has been classified as a Variant of Uncertain Significance.

Literature cited by the submitters: PubMed 17576681; PubMed 9536098.

NM_022356.4(P3H1):c.1473+4A>G

Gene: P3H1 (prolyl 3-hydroxylase 1; minus strand). Cytogenetic location: 1p34.2.
Variant type: single nucleotide variant.
Coding change: c.1473+4A>G on transcript NM_022356.4 (MANE Select); 4 bases into the intron after coding-DNA position 1473, A replaced by G.
Molecular consequence: intron variant.
Genome position (GRCh38, 1-based): chr1:42,752,533, T>C on the plus strand (A>G on the coding strand, the complement: P3H1 is on the minus strand). VCF-style: chr1-42752533-T-C. GRCh37 (hg19) VCF-style: chr1-43218204-T-C.
Other names: c.1473+4A>G (NM_001146289.2, NM_001243246.2).
Identifiers: ClinVar variation 2913020 (VCV002913020.3), dbSNP rs1652167361, ClinGen allele CA1165340865.